The following is an entry in ClinVar:

ClinVar aggregate classification (germline): Uncertain significance. Review status: criteria provided, multiple submitters, no conflicts (2 of 4 stars). 3 submissions from 3 submitters: Uncertain significance (3). Last evaluated 2025-02-10.

Conditions:
VATER association. Also called: VACTERL/vater association; Vacterl association. Identifiers: Orphanet 887, MedGen C4225671, MONDO:0008642, OMIM 192350.
Usher syndrome type 1D (USH1D). Also called: USHER SYNDROME, TYPE ID. Identifiers: Orphanet 231169, Orphanet 886, MedGen C1832845, MONDO:0010984, OMIM 601067.
Autosomal recessive nonsyndromic hearing loss 12. Also called: DEAFNESS, AUTOSOMAL RECESSIVE 12. Identifiers: Orphanet 90636, MedGen C1832394, MONDO:0011067, OMIM 601386.

Allele frequency attached by ClinVar (database versions not stated): gnomAD 0.00002; TOPMed 0.00002; ExAC 0.00005.
gnomAD v4.1: 30 of 1,610,060 alleles (0.0019%); highest among the groups gnomAD compares: South Asian, 0.011%; no homozygotes.

Submissions (3):

GeneDx
Classification: Uncertain significance. Last evaluated: 2025-02-10. Review status: criteria provided, single submitter. Criteria: GeneDx Variant Classification Process June 2021. Collection method: clinical testing. Allele origin: germline. Affected: yes.
Comment: In silico analysis indicates that this missense variant does not alter protein structure/function; Has not been previously published as pathogenic or benign to our knowledge

Labcorp Genetics (formerly Invitae), Labcorp
Classification: Uncertain significance. Last evaluated: 2022-06-15. Review status: criteria provided, single submitter. Criteria: Invitae Variant Classification Sherloc (09022015). Collection method: clinical testing. Allele origin: germline.
Comment: This sequence change replaces arginine, which is basic and polar, with histidine, which is basic and polar, at codon 3325 of the CDH23 protein (p.Arg3325His). This variant is present in population databases (rs577561690, gnomAD 0.02%). This variant has not been reported in the literature in individuals affected with CDH23-related conditions. Algorithms developed to predict the effect of missense changes on protein structure and function output the following: SIFT: "Tolerated"; PolyPhen-2: "Not Available"; Align-GVGD: "Class C0". The histidine amino acid residue is found in multiple mammalian species, which suggests that this missense change does not adversely affect protein function. In summary, the available evidence is currently insufficient to determine the role of this variant in disease. Therefore, it has been classified as a Variant of Uncertain Significance.

Cambridge Genomics Laboratory, East Genomic Laboratory Hub, NHS Genomic Medicine Service
Classification: Uncertain significance for VATER association. Last evaluated: 2019-04-17. Review status: criteria provided, single submitter. Criteria: ACGS Best Practice Guidelines for Variant Classification in Rare Disease 2020. Collection method: clinical testing. Allele origin: germline. Affected: yes. Observed: 1 variant allele.

NM_022124.6(CDH23):c.9974G>A (p.Arg3325His)

Gene: CDH23 (cadherin related 23; plus strand). Cytogenetic location: 10q22.1.
Variant type: single nucleotide variant.
Coding change: c.9974G>A on transcript NM_022124.6 (MANE Select); coding-DNA position 9974, G replaced by A.
Protein change: p.Arg3325His; replaces arginine 3325 with histidine.
Molecular consequence: missense variant.
Genome position (GRCh38, 1-based): chr10:71,815,187, G>A. VCF-style: chr10-71815187-G-A. GRCh37 (hg19) VCF-style: chr10-73574944-G-A.
Other names: c.9974G>A (NM_022124.5); c.3254G>A, p.Arg1085His (NM_001171933.1); c.3149G>A, p.Arg1050His (NM_001171934.1); c.665G>A, p.Arg222His (NM_001171935.1); c.560G>A, p.Arg187His (NM_001171936.1); short protein forms R187H, R222H, R3325H, R1050H, R1085H.
Identifiers: ClinVar variation 2147273 (VCV002147273.3), dbSNP rs577561690, ClinGen allele CA5547232.